The following is an entry in ClinVar:

ClinVar aggregate classification (germline): Uncertain significance (1 of 4 stars; one submission).

Submission:

Labcorp Genetics (formerly Invitae), Labcorp
Classification: Uncertain significance. Last evaluated: 2025-11-03. Review status: criteria provided, single submitter. Criteria: Invitae Variant Classification Sherloc (09022015). Collection method: clinical testing. Allele origin: germline.
Comment: This sequence change replaces glutamine, which is neutral and polar, with histidine, which is basic and polar, at codon 62 of the DNAJB11 protein (p.Gln62His). This variant is not present in population databases (gnomAD no frequency). This variant has not been reported in the literature in individuals affected with DNAJB11-related conditions. ClinVar contains an entry for this variant (Variation ID: 2001554). Invitae Evidence Modeling of protein sequence and biophysical properties (such as structural, functional, and spatial information, amino acid conservation, physicochemical variation, residue mobility, and thermodynamic stability) indicates that this missense variant is not expected to disrupt DNAJB11 protein function with a negative predictive value of 80%. In summary, the available evidence is currently insufficient to determine the role of this variant in disease. Therefore, it has been classified as a Variant of Uncertain Significance.

NM_016306.6(DNAJB11):c.186A>C (p.Gln62His)

Gene: DNAJB11 (DnaJ heat shock protein family (Hsp40) member B11; plus strand). Cytogenetic location: 3q27.3.
Variant type: single nucleotide variant.
Coding change: c.186A>C on transcript NM_016306.6 (MANE Select); coding-DNA position 186, A replaced by C.
Protein change: p.Gln62His; replaces glutamine 62 with histidine.
Molecular consequence: missense variant. On other transcripts: non-coding transcript variant (6).
Genome position (GRCh38, 1-based): chr3:186,572,212, A>C. VCF-style: chr3-186572212-A-C. GRCh37 (hg19) VCF-style: chr3-186290001-A-C.
Other names: c.186A>C, p.Gln62His (NM_001378451.1); short protein forms Q62H.
Identifiers: ClinVar variation 2001554 (VCV002001554.4), dbSNP rs1715089796, ClinGen allele CA355713187.